The following is an entry in ClinVar:

NM_014000.3(VCL):c.1589C>G (p.Ala530Gly)

Gene: VCL (vinculin; plus strand). Cytogenetic location: 10q22.2.
Variant type: single nucleotide variant.
Coding change: c.1589C>G on transcript NM_014000.3 (MANE Select); coding-DNA position 1589, C replaced by G.
Protein change: p.Ala530Gly; replaces alanine 530 with glycine.
Molecular consequence: missense variant.
Genome position (GRCh38, 1-based): chr10:74,095,701, C>G. VCF-style: chr10-74095701-C-G. GRCh37 (hg19) VCF-style: chr10-75855459-C-G.
Other names: c.1589C>G, p.Ala530Gly (NM_003373.4); short protein forms A530G.
Identifiers: ClinVar variation 1775861 (VCV001775861.5), dbSNP rs1591706374, ClinGen allele CA377274353.
Genomic context (GRCh38, chr10:74,095,701, plus strand): 5'-TTTCTCTTGGTCCAGGTCAGGCTGCCATCCGGGGGCTTGTGGCCGAAGGGCATCGTCTGG[C>G]TAATGTTATGATGGGGCCTTATCGGCAAGATCTTCTCGCCAAGTGTGACCGAGTGGACCA-3'
Protein context (NP_054706.1, residues 520-540): RGLVAEGHRL[Ala530Gly]NVMMGPYRQD

ClinVar aggregate classification (germline): Uncertain significance. Review status: criteria provided, multiple submitters, no conflicts (2 of 4 stars). 2 submissions from 2 submitters: Uncertain significance (2). Last evaluated 2025-09-08.

Conditions:
Cardiovascular phenotype. Identifiers: MedGen CN230736.
Dilated cardiomyopathy 1W (CMD1W). Identifiers: Orphanet 154, MedGen C1969639, MONDO:0012667, OMIM 611407.

Allele frequency attached by ClinVar (database versions not stated): gnomAD exomes below 0.00001.
gnomAD v4.1: 1 of 1,614,184 alleles (0.000062%); highest among the groups gnomAD compares: Non-Finnish European, 0.000085%; no homozygotes.

Submissions (2):

Labcorp Genetics (formerly Invitae), Labcorp
Classification: Uncertain significance for Dilated cardiomyopathy 1W. Last evaluated: 2025-09-08. Review status: criteria provided, single submitter. Criteria: Invitae Variant Classification Sherloc (09022015). Collection method: clinical testing. Allele origin: germline.
Comment: This sequence change replaces alanine, which is neutral and non-polar, with glycine, which is neutral and non-polar, at codon 530 of the VCL protein (p.Ala530Gly). This variant is not present in population databases (gnomAD no frequency). This variant has not been reported in the literature in individuals affected with VCL-related conditions. ClinVar contains an entry for this variant (Variation ID: 1775861). An algorithm developed to predict the effect of missense changes on protein structure and function (PolyPhen-2) suggests that this variant is likely to be disruptive. In summary, the available evidence is currently insufficient to determine the role of this variant in disease. Therefore, it has been classified as a Variant of Uncertain Significance.

Ambry Genetics
Classification: Uncertain significance for Cardiovascular phenotype. Last evaluated: 2022-03-03. Review status: criteria provided, single submitter. Criteria: Ambry Variant Classification Scheme 2023. Collection method: clinical testing. Allele origin: germline.
Comment: The p.A530G variant (also known as c.1589C>G), located in coding exon 12 of the VCL gene, results from a C to G substitution at nucleotide position 1589. The alanine at codon 530 is replaced by glycine, an amino acid with similar properties. This amino acid position is conserved. In addition, this alteration is predicted to be tolerated by in silico analysis. Since supporting evidence is limited at this time, the clinical significance of this alteration remains unclear.